The following is an entry in ClinVar:

NM_000483.5(APOC2):c.218A>G (p.Asp73Gly)

Genes: APOC2 (apolipoprotein C2; plus strand), APOC4-APOC2 (APOC4-APOC2 readthrough (NMD candidate); plus strand). Cytogenetic location: 19q13.32.
Variant type: single nucleotide variant.
Coding change: c.218A>G on transcript NM_000483.5 (MANE Select); coding-DNA position 218, A replaced by G.
Protein change: p.Asp73Gly; replaces aspartic acid 73 with glycine.
Molecular consequence: missense variant. On other transcripts: non-coding transcript variant (1).
Genome position (GRCh38, 1-based): chr19:44,949,161, A>G. VCF-style: chr19-44949161-A-G. GRCh37 (hg19) VCF-style: chr19-45452418-A-G.
Other names: short protein forms D73G.
Identifiers: ClinVar variation 5028873 (VCV005028873.1).

ClinVar aggregate classification (germline): Uncertain significance (1 of 4 stars; one submission).

Conditions:
Cardiovascular phenotype. Identifiers: MedGen CN230736.

Submission:

Ambry Genetics
Classification: Uncertain significance for Cardiovascular phenotype. Last evaluated: 2026-08-31. Review status: criteria provided, single submitter. Criteria: Ambry Variant Classification Scheme 2023. Collection method: clinical testing. Allele origin: germline.
Comment: The p.D73G variant (also known as c.218A>G), located in coding exon 3 of the APOC2 gene, results from an A to G substitution at nucleotide position 218. The aspartic acid at codon 73 is replaced by glycine, an amino acid with similar properties. This amino acid position is conserved. In addition, the in silico prediction for this alteration is inconclusive. Based on the available evidence, the clinical significance of this variant remains unclear.